The following is an entry in ClinVar:

ClinVar aggregate classification (germline): Pathogenic. Review status: criteria provided, multiple submitters, no conflicts (2 of 4 stars). 3 submissions from 3 submitters: Pathogenic (3). Last evaluated 2025-11-05.

Conditions:
Hereditary cancer-predisposing syndrome. Also called: Neoplastic Syndromes, Hereditary; Tumor predisposition; Hereditary Cancer Syndrome; Hereditary neoplastic syndrome. Identifiers: Orphanet 140162, MedGen C0027672, MeSH D009386, MONDO:0015356.
Familial cancer of breast. Also called: hereditary breast carcinoma; BREAST CANCER, FAMILIAL; Hereditary breast cancer. Identifiers: Orphanet 227535, MedGen C0346153, MONDO:0016419, OMIM 114480. Disease mechanism: loss of function.

Allele frequency attached by ClinVar (database versions not stated): ExAC 0.00001.

Submissions (3):

Labcorp Genetics (formerly Invitae), Labcorp
Classification: Pathogenic for Familial cancer of breast. Last evaluated: 2025-11-05. Review status: criteria provided, single submitter. Criteria: Invitae Variant Classification Sherloc (09022015). Collection method: clinical testing. Allele origin: germline.
Comment: This sequence change creates a premature translational stop signal (p.Cys420*) in the CHEK2 gene. It is expected to result in an absent or disrupted protein product. Loss-of-function variants in CHEK2 are known to be pathogenic (PMID: 21876083, 24713400). This variant is present in population databases (rs762205611, gnomAD 0.0009%). This variant has not been reported in the literature in individuals affected with CHEK2-related conditions. ClinVar contains an entry for this variant (Variation ID: 1762953). For these reasons, this variant has been classified as Pathogenic.

Ambry Genetics
Classification: Pathogenic for Hereditary cancer-predisposing syndrome. Last evaluated: 2024-07-17. Review status: criteria provided, single submitter. Criteria: Ambry Variant Classification Scheme 2023. Collection method: clinical testing. Allele origin: germline.
Comment: The p.C420* pathogenic mutation (also known as c.1260C>A), located in coding exon 11 of the CHEK2 gene, results from a C to A substitution at nucleotide position 1260. This changes the amino acid from a cysteine to a stop codon within coding exon 11. This alteration is expected to result in loss of function by premature protein truncation or nonsense-mediated mRNA decay. As such, this alteration is interpreted as a disease-causing mutation.

Myriad Genetics, Inc.
Classification: Pathogenic for Familial cancer of breast. Last evaluated: 2023-06-28. Review status: criteria provided, single submitter. Criteria: Myriad Autosomal Dominant, Autosomal Recessive and X-Linked Classification Criteria (2023). Collection method: clinical testing. Allele origin: unknown.
Comment: This variant is considered pathogenic. This variant creates a termination codon and is predicted to result in premature protein truncation.

Literature cited by the submitters: PubMed 21876083 (cited by Labcorp Genetics (formerly Invitae), Labcorp); PubMed 24713400 (cited by Labcorp Genetics (formerly Invitae), Labcorp).

NM_007194.4(CHEK2):c.1260C>A (p.Cys420Ter)

Gene: CHEK2 (checkpoint kinase 2; minus strand). Cytogenetic location: 22q12.1.
Variant type: single nucleotide variant.
Coding change: c.1260C>A on transcript NM_007194.4 (MANE Select); coding-DNA position 1260, C replaced by A.
Protein change: p.Cys420Ter; replaces cysteine 420 with a stop codon.
Molecular consequence: nonsense.
Genome position (GRCh38, 1-based): chr22:28,695,242, G>T on the plus strand (C>A on the coding strand, the complement: CHEK2 is on the minus strand). VCF-style: chr22-28695242-G-T. GRCh37 (hg19) VCF-style: chr22-29091230-G-T.
Other names: c.1389C>A, p.Cys463Ter (NM_001005735.3); c.597C>A, p.Cys199Ter (NM_001257387.3); c.1059C>A, p.Cys353Ter (NM_001349956.3); c.1173C>A, p.Cys391Ter (NM_145862.3); short protein forms C420*, C463*, C353*, C199*, C391*.
Identifiers: ClinVar variation 1762953 (VCV001762953.8), dbSNP rs762205611, ClinGen allele CA10167685.
Genomic context (GRCh38, chr22:28,695,242, plus strand): 5'-GATCTGATCCTTCAGTGACACTTGAGTCCTATGCTCAGAGAAAGGTGGATACCCACTAAG[G>T]CTTAATATTGGTAGAGAGAGAAAGGAAAAGAAATCAAGTGGCATTCTCAGTGGCATTCAG-3'